The following is an entry in ClinVar:

NM_018490.5(LGR4):c.186-9G>A

Gene: LGR4 (leucine rich repeat containing G protein-coupled receptor 4; minus strand). Cytogenetic location: 11p14.1.
Variant type: single nucleotide variant.
Coding change: c.186-9G>A on transcript NM_018490.5 (MANE Select); 9 bases into the intron before coding-DNA position 186, G replaced by A.
Molecular consequence: intron variant.
Genome position (GRCh38, 1-based): chr11:27,412,869, C>T on the plus strand (G>A on the coding strand, the complement: LGR4 is on the minus strand). VCF-style: chr11-27412869-C-T. GRCh37 (hg19) VCF-style: chr11-27434416-C-T.
Other names: c.186-20351G>A (NM_001346432.2).
Identifiers: ClinVar variation 3045561 (VCV003045561.2), dbSNP rs368421205, ClinGen allele CA5928814.

ClinVar aggregate classification (germline): Likely benign (0 of 4 stars; one submission).

Conditions:
LGR4-related disorder. Also called: LGR4-related condition.

Allele frequency attached by ClinVar (database versions not stated): ExAC 0.00012; gnomAD 0.00013; ESP Exome Variant Server 0.00015; TOPMed 0.00015.
gnomAD v4.1: 406 of 1,574,912 alleles (0.026%); highest among the groups gnomAD compares: Non-Finnish European, 0.032%; no homozygotes.

Submission:

PreventionGenetics, part of Exact Sciences
Classification: Likely benign for LGR4-related condition. Last evaluated: 2019-11-01. Review status: no assertion criteria provided. Collection method: clinical testing. Allele origin: germline.
Comment: This variant is classified as likely benign based on ACMG/AMP sequence variant interpretation guidelines (Richards et al. 2015 PMID: 25741868, with internal and published modifications).